The following is an entry in ClinVar:

NM_001105206.3(LAMA4):c.5461C>T (p.Pro1821Ser)

Gene: LAMA4 (laminin subunit alpha 4; minus strand). Cytogenetic location: 6q21.
Variant type: single nucleotide variant.
Coding change: c.5461C>T on transcript NM_001105206.3 (MANE Select); coding-DNA position 5461, C replaced by T.
Protein change: p.Pro1821Ser; replaces proline 1821 with serine.
Molecular consequence: missense variant.
Genome position (GRCh38, 1-based): chr6:112,109,448, G>A on the plus strand (C>T on the coding strand, the complement: LAMA4 is on the minus strand). VCF-style: chr6-112109448-G-A. GRCh37 (hg19) VCF-style: chr6-112430651-G-A.
Other names: c.5440C>T, p.Pro1814Ser (NM_001105207.3, NM_002290.5); short protein forms P1814S, P1821S.
Identifiers: ClinVar variation 2447567 (VCV002447567.2), dbSNP rs2546956924, ClinGen allele CA365363043.

ClinVar aggregate classification (germline): Uncertain significance (1 of 4 stars; one submission).

Conditions:
Cardiovascular phenotype. Identifiers: MedGen CN230736.

Submission:

Ambry Genetics
Classification: Uncertain significance for Cardiovascular phenotype. Last evaluated: 2023-02-20. Review status: criteria provided, single submitter. Criteria: Ambry Variant Classification Scheme 2023. Collection method: clinical testing. Allele origin: germline.
Comment: The p.P1814S variant (also known as c.5440C>T), located in coding exon 38 of the LAMA4 gene, results from a C to T substitution at nucleotide position 5440. The proline at codon 1814 is replaced by serine, an amino acid with similar properties. This amino acid position is conserved. In addition, this alteration is predicted to be deleterious by in silico analysis. Since supporting evidence is limited at this time, the clinical significance of this alteration remains unclear.